The following is an entry in ClinVar:

ClinVar aggregate classification (germline): Uncertain significance (1 of 4 stars; one submission).

Allele frequency attached by ClinVar (database versions not stated): gnomAD 0.00005; 1000 Genomes Project 30x 0.00016; 1000 Genomes Project 0.00020.
gnomAD v4.1: 32 of 700,232 alleles (0.0046%); highest among the groups gnomAD compares: Admixed American, 0.006%; no homozygotes.

Submission:

Labcorp Genetics (formerly Invitae), Labcorp
Classification: Uncertain significance. Last evaluated: 2023-08-04. Review status: criteria provided, single submitter. Criteria: Invitae Variant Classification Sherloc (09022015). Collection method: clinical testing. Allele origin: germline.
Comment: In summary, the available evidence is currently insufficient to determine the role of this variant in disease. Therefore, it has been classified as a Variant of Uncertain Significance. Experimental studies and prediction algorithms are not available or were not evaluated, and the functional significance of this variant is currently unknown. ClinVar contains an entry for this variant (Variation ID: 1496496). This variant has not been reported in the literature in individuals affected with RNU4ATAC-related conditions. This variant is present in population databases (rs558667045, gnomAD 0.01%). This variant occurs in the RNU4ATAC gene, which encodes an RNA molecule that does not result in a protein product.

NC_000002.12:g.121530993G>A

Genes: CLASP1 (cytoplasmic linker associated protein 1; minus strand), CLASP1-AS1 (CLASP1 antisense RNA 1; plus strand), RNU4ATAC (RNA, U4atac small nuclear; plus strand). Cytogenetic location: 2q14.2.
Variant type: single nucleotide variant.
Molecular consequence: intron variant (on NM_001395891.1).
Genome position: GRCh38 VCF-style: chr2-121530993-G-A. GRCh37 (hg19) VCF-style: chr2-122288569-G-A.
Other names: c.196-668C>T (NM_001142274.2, NM_015282.3, NM_001378003.1 and 5 more transcripts).
Identifiers: ClinVar variation 1496496 (VCV001496496.4), dbSNP rs558667045, ClinGen allele CA54811014.
Genomic context (GRCh38, chr2:121,530,993, plus strand): 5'-AGTACTGCTAACGCCTGAACAACACACCCGCATCAACTAGAGCTTTTGCTTTATTTTGGT[G>A]CAATTTTTGGAAAAATGAAAACCTGTTTTCATAGACTTATCAGTTCAAACAGCAGTAATT-3'